The following is an entry in ClinVar:

NM_001297568.2(ZNF124):c.169dup (p.Glu57fs)

Gene: ZNF124 (zinc finger protein 124; minus strand). Cytogenetic location: 1q44.
Variant type: Duplication.
Coding change: c.169dup on transcript NM_001297568.2 (MANE Select); coding-DNA position 169, one base duplicated (G; older notation c.169dupG).
Protein change: p.Glu57fs; shifts the reading frame from glutamic acid 57.
Molecular consequence: frameshift variant.
Genome position (GRCh38, 1-based): chr1:247,159,055, C duplicated on the plus strand (G on the coding strand, the reverse complement: ZNF124 is on the minus strand); the first of 4 consecutive C bases (chr1:247,159,055-247,159,058); duplicating any one gives the same sequence. VCF-style (leftmost placement, unchanged base first): chr1-247159054-T-TC. GRCh37 (hg19) VCF-style: chr1-247322356-T-TC.
Other names: c.169dup, p.Glu57fs (NM_001243740.3, NM_001297567.2, NM_001297569.2 and 1 more transcripts); short protein forms E57fs.
Identifiers: ClinVar variation 2640241 (VCV002640241.24), dbSNP rs558305005, ClinGen allele CA1494016.

ClinVar aggregate classification (germline): Uncertain significance (1 of 4 stars; one submission).

Submission:

CeGaT Center for Human Genetics Tuebingen
Classification: Uncertain significance. Last evaluated: 2022-08-01. Review status: criteria provided, single submitter. Criteria: CeGaT Center For Human Genetics Tuebingen Variant Classification Criteria Version 2. Collection method: clinical testing. Allele origin: germline. Affected: yes. Observed: 1 variant allele.
Comment: ZNF124: PM2